The following is an entry in ClinVar:

ClinVar aggregate classification (germline): Likely benign. Review status: criteria provided, multiple submitters, no conflicts (2 of 4 stars). 2 submissions from 2 submitters: Likely benign (2). Last evaluated 2025-11-09.

Conditions:
Gorlin syndrome. Also called: Nevoid Basal Cell Carcinoma Syndrome; Basal cell nevus syndrome. Identifiers: Orphanet 377, MedGen C0004779, MONDO:0007187.

Allele frequency attached by ClinVar (database versions not stated): gnomAD 0.00002; gnomAD exomes 0.00003 and 0.00005; ExAC 0.00012.
gnomAD v4.1: 45 of 1,610,950 alleles (0.0028%); highest among the groups gnomAD compares: Non-Finnish European, 0.0037%; no homozygotes.

Submissions (2):

Labcorp Genetics (formerly Invitae), Labcorp
Classification: Likely benign for Gorlin syndrome. Last evaluated: 2025-11-09. Review status: criteria provided, single submitter. Criteria: Invitae Variant Classification Sherloc (09022015). Collection method: clinical testing. Allele origin: germline.

CeGaT Center for Human Genetics Tuebingen
Classification: Likely benign. Last evaluated: 2024-07-01. Review status: criteria provided, single submitter. Criteria: CeGaT Center For Human Genetics Tuebingen Variant Classification Criteria Version 2. Collection method: clinical testing. Allele origin: germline. Affected: yes. Observed: 1 variant allele.
Comment: PTCH2: BP4, BP7

NM_003738.5(PTCH2):c.1380C>T (p.Pro460=)

Gene: PTCH2 (patched 2; minus strand). Cytogenetic location: 1p34.1.
Variant type: single nucleotide variant.
Coding change: c.1380C>T on transcript NM_003738.5 (MANE Select); coding-DNA position 1380, C replaced by T.
Protein change: p.Pro460=; no amino-acid change (proline 460 retained).
Molecular consequence: synonymous variant.
Genome position (GRCh38, 1-based): chr1:44,829,066, G>A on the plus strand (C>T on the coding strand, the complement: PTCH2 is on the minus strand). VCF-style: chr1-44829066-G-A. GRCh37 (hg19) VCF-style: chr1-45294738-G-A.
Other names: c.1380C>T, p.Pro460= (NM_001166292.2).
Identifiers: ClinVar variation 1141568 (VCV001141568.26), dbSNP rs752485443, ClinGen allele CA823323.
Genomic context (GRCh38, chr1:44,829,066, plus strand): 5'-CTCTGTGAAGGCATGCGCCAGCAGGAATACGTCATCCACGCCGATTCCCAGAGCCAAGAA[G>A]GGCAGCACCTGGAGGGGCAGAGGAGCGGGCAGCTGAGGACCCGTGAAGCCTGGTGACTGG-3'
Protein context (NP_003729.3, residues 450-470): TFNAATTQVL[Pro460=]FLALGIGVDD